The following is an entry in ClinVar:

ClinVar aggregate classification (germline): Likely pathogenic (1 of 4 stars; one submission).

Conditions:
Dilated cardiomyopathy 1G (CMD1G). Identifiers: Orphanet 154, MedGen C1858763, MONDO:0011400, OMIM 604145.
Autosomal recessive limb-girdle muscular dystrophy type 2J (LGMDR10). Also called: Limb-girdle muscular dystrophy, type 2J; MUSCULAR DYSTROPHY, LIMB-GIRDLE, AUTOSOMAL RECESSIVE 10. Identifiers: Orphanet 140922, MedGen C1837342, MONDO:0012127, OMIM 608807.

Submission:

Labcorp Genetics (formerly Invitae), Labcorp
Classification: Likely pathogenic for Dilated cardiomyopathy 1G; Autosomal recessive limb-girdle muscular dystrophy type 2J. Last evaluated: 2025-02-28. Review status: criteria provided, single submitter. Criteria: Invitae Variant Classification Sherloc (09022015). Collection method: clinical testing. Allele origin: germline.
Comment: This sequence change creates a premature translational stop signal (p.Ile8710Metfs*30) in the TTN gene. While this is not anticipated to result in nonsense mediated decay, it is expected to create a truncated TTN protein. This variant is not present in population databases (gnomAD no frequency). This variant has not been reported in the literature in individuals affected with TTN-related conditions. This variant is located in the I band of TTN (PMID: 25589632). Truncating variants in this region have been reported in individuals affected with autosomal recessive centronuclear myopathy (PMID: 23975875, internal data). Truncating variants in this region have also been identified in individuals affected with autosomal dominant dilated cardiomyopathy and/or cardio-related conditions (PMID: 27869827, 32964742, internal data). In summary, the currently available evidence indicates that the variant is pathogenic, but additional data are needed to prove that conclusively. Therefore, this variant has been classified as Likely Pathogenic.

Literature cited by the submitters: PubMed 25589632; PubMed 23975875; PubMed 27869827; PubMed 32964742.

NM_001267550.2(TTN):c.26130del (p.Ile8710fs)

Gene: TTN (titin; minus strand). Cytogenetic location: 2q31.2.
Variant type: Deletion.
Coding change: c.26130del on transcript NM_001267550.2 (MANE Select); coding-DNA position 26130, one base deleted (T; older notation c.26130delT).
Protein change: p.Ile8710fs; shifts the reading frame from isoleucine 8710.
Molecular consequence: frameshift variant. On other transcripts: intron variant (3).
Genome position (GRCh38, 1-based): chr2:178,715,056, A deleted on the plus strand (T on the coding strand, the reverse complement: TTN is on the minus strand); the first of 2 consecutive A bases (chr2:178,715,056-178,715,057); deleting either gives the same sequence. VCF-style (leftmost placement, unchanged base first): chr2-178715055-CA-C. GRCh37 (hg19) VCF-style: chr2-179579782-CA-C.
Other names: c.25179del, p.Ile8393fs (NM_001256850.1); c.22398del, p.Ile7466fs (NM_133378.4); c.13282+23026del (NM_003319.4); c.13858+23026del (NM_133437.4); c.13657+23026del (NM_133432.3); short protein forms I7466fs, I8393fs, I8710fs.
Identifiers: ClinVar variation 4784313 (VCV004784313.1).